The following is an entry in ClinVar:

ClinVar aggregate classification (germline): Likely benign. Review status: criteria provided, multiple submitters, no conflicts (2 of 4 stars). 2 submissions from 2 submitters: Likely benign (2). Last evaluated 2025-10-01.

Allele frequency attached by ClinVar (database versions not stated): gnomAD exomes below 0.00001; TOPMed below 0.00001.
gnomAD v4.1: 5 of 1,614,154 alleles (0.00031%); highest among the groups gnomAD compares: East Asian, 0.0089%; no homozygotes.

Submissions (2):

CeGaT Center for Human Genetics Tuebingen
Classification: Likely benign. Last evaluated: 2025-10-01. Review status: criteria provided, single submitter. Criteria: CeGaT Center For Human Genetics Tuebingen Variant Classification Criteria Version 2. Collection method: clinical testing. Allele origin: germline. Affected: yes. Observed: 1 variant allele.
Comment: MTOR: BP4, BP7

Labcorp Genetics (formerly Invitae), Labcorp
Classification: Likely benign. Last evaluated: 2025-05-17. Review status: criteria provided, single submitter. Criteria: Invitae Variant Classification Sherloc (09022015). Collection method: clinical testing. Allele origin: germline.

NM_004958.4(MTOR):c.1146T>C (p.Asn382=)

Gene: MTOR (mechanistic target of rapamycin kinase; minus strand). Cytogenetic location: 1p36.22.
Variant type: single nucleotide variant.
Coding change: c.1146T>C on transcript NM_004958.4 (MANE Select); coding-DNA position 1146, T replaced by C.
Protein change: p.Asn382=; no amino-acid change (asparagine 382 retained).
Molecular consequence: synonymous variant. On other transcripts: intron variant (1).
Genome position (GRCh38, 1-based): chr1:11,247,704, A>G on the plus strand (T>C on the coding strand, the complement: MTOR is on the minus strand). VCF-style: chr1-11247704-A-G. GRCh37 (hg19) VCF-style: chr1-11307761-A-G.
Other names: c.1146T>C, p.Asn382= (NM_001386500.1); c.-24+115T>C (NM_001386501.1).
Identifiers: ClinVar variation 1990542 (VCV001990542.10), dbSNP rs374277374, ClinGen allele CA17951361.